The following is an entry in ClinVar:

NM_001114753.3(ENG):c.1088G>C (p.Cys363Ser)

Gene: ENG (endoglin; minus strand). Cytogenetic location: 9q34.11.
Variant type: single nucleotide variant.
Coding change: c.1088G>C on transcript NM_001114753.3 (MANE Select); coding-DNA position 1088, G replaced by C.
Protein change: p.Cys363Ser; replaces cysteine 363 with serine.
Molecular consequence: missense variant.
Genome position (GRCh38, 1-based): chr9:127,824,350, C>G on the plus strand (G>C on the coding strand, the complement: ENG is on the minus strand). VCF-style: chr9-127824350-C-G. GRCh37 (hg19) VCF-style: chr9-130586629-C-G.
Other names: c.1088G>C, p.Cys363Ser (NM_000118.4, NM_001406715.1); c.542G>C, p.Cys181Ser (NM_001278138.2); short protein forms C181S, C363S.
Identifiers: ClinVar variation 661587 (VCV000661587.10), dbSNP rs1588580782, ClinGen allele CA374980745.
Genomic context (GRCh38, chr9:127,824,350, plus strand): 5'-AGGAGTTCCCTTACCGCAACAAGCTCTTTCTTTAGTACCAGGGTCATGGCGTCGTCGGCA[C>G]ACTTTGTCTGGATCAAGGACATGAGCAGCTCCGGGCTACAAGTGTCCTTGGGAGGAGTGG-3'
Protein context (NP_001108225.1, residues 353-373): ELLMSLIQTK[Cys363Ser]ADDAMTLVLK

ClinVar aggregate classification (germline): Pathogenic (1 of 4 stars; one submission).

Conditions:
Hereditary hemorrhagic telangiectasia (HHT). Also called: ORW DISEASE; Osler Weber Rendu syndrome; OSLER-RENDU-WEBER DISEASE; Osler hemorrhagic telangiectasia syndrome. Identifiers: Orphanet 774, MedGen C0039445, MONDO:0019180. Disease mechanism: loss of function.

Submission:

Labcorp Genetics (formerly Invitae), Labcorp
Classification: Pathogenic for Hereditary hemorrhagic telangiectasia. Last evaluated: 2023-07-17. Review status: criteria provided, single submitter. Criteria: Invitae Variant Classification Sherloc (09022015). Collection method: clinical testing. Allele origin: germline.
Comment: This variant disrupts the p.Cys363 amino acid residue in ENG. Other variant(s) that disrupt this residue have been observed in individuals with ENG-related conditions (PMID: 11440987), which suggests that this may be a clinically significant amino acid residue. Advanced modeling of protein sequence and biophysical properties (such as structural, functional, and spatial information, amino acid conservation, physicochemical variation, residue mobility, and thermodynamic stability) performed at Invitae indicates that this missense variant is expected to disrupt ENG protein function. ClinVar contains an entry for this variant (Variation ID: 661587). This missense change has been observed in individuals with clinical features of hereditary hemorrhagic telangiectasia (PMID: 17384219, 22991266, 23710379, 24196379). This variant is not present in population databases (gnomAD no frequency). This sequence change replaces cysteine, which is neutral and slightly polar, with serine, which is neutral and polar, at codon 363 of the ENG protein (p.Cys363Ser). For these reasons, this variant has been classified as Pathogenic.

Literature cited by the submitters: PubMed 11440987; PubMed 17384219; PubMed 22991266; PubMed 23710379; PubMed 24196379.